The following is an entry in ClinVar:

NM_005379.4(MYO1A):c.3128A>G (p.Gln1043Arg)

Gene: MYO1A (myosin IA; minus strand). Cytogenetic location: 12q13.3.
Variant type: single nucleotide variant.
Coding change: c.3128A>G on transcript NM_005379.4 (MANE Select); coding-DNA position 3128, A replaced by G.
Protein change: p.Gln1043Arg; replaces glutamine 1043 with arginine.
Molecular consequence: missense variant.
Genome position (GRCh38, 1-based): chr12:57,028,759, T>C on the plus strand (A>G on the coding strand, the complement: MYO1A is on the minus strand). VCF-style: chr12-57028759-T-C. GRCh37 (hg19) VCF-style: chr12-57422543-T-C.
Other names: c.3128A>G, p.Gln1043Arg (NM_001256041.2); short protein forms Q1043R.
Identifiers: ClinVar variation 227659 (VCV000227659.8), dbSNP rs370617353, ClinGen allele CA6639489.

ClinVar aggregate classification (germline): Conflicting classifications of pathogenicity. Review status: criteria provided, conflicting classifications (1 of 4 stars). 2 submissions from 2 submitters: Uncertain significance (1); Likely benign (1). Last evaluated 2017-07-25.

Allele frequency attached by ClinVar (database versions not stated): TOPMed 0.00002; 1000 Genomes Project 30x 0.00047; 1000 Genomes Project 0.00060.
gnomAD v4.1: 135 of 1,614,058 alleles (0.0084%); highest among the groups gnomAD compares: South Asian, 0.12%; 1 homozygote.

Submissions (2):

Eurofins Ntd Llc (ga)
Classification: Uncertain significance. Last evaluated: 2017-07-25. Review status: criteria provided, single submitter. Criteria: EGL Classification Definitions 2015. Collection method: clinical testing. Allele origin: germline. Observed: 1 variant allele, 1 heterozygote.

Laboratory for Molecular Medicine, Mass General Brigham Personalized Medicine
Classification: Likely benign. Last evaluated: 2015-05-12. Review status: criteria provided, single submitter. Criteria: LMM Criteria. Collection method: clinical testing. Allele origin: germline. Observed: 1 variant allele.
Comment: p.Gln1043Arg in exon 28 of MYO1A: This variant is not expected to have clinical significance for hearing loss because recent evidence has disqualified an associ ation between variants in the MYO1A gene and hearing loss (Eisenberger 2014). In addition, this variant has been identified in 0.2% (27/16414) of South Asian ch romosomes by the Exome Aggregation Consortium (ExAC. org; dbSNP rs370617353).

Literature cited by the submitters: PubMed 24616153 (cited by Laboratory for Molecular Medicine, Mass General Brigham Personalized Medicine).